The following is an entry in ClinVar:

ClinVar aggregate classification (germline): Uncertain significance (1 of 4 stars; one submission).

Conditions:
Charcot-Marie-Tooth disease axonal type 2O. Also called: CHARCOT-MARIE-TOOTH DISEASE, AXONAL, AUTOSOMAL DOMINANT, TYPE 2O; CHARCOT-MARIE-TOOTH NEUROPATHY, AXONAL, TYPE 2O; Charcot-Marie-Tooth Neuropathy Type 2O; Charcot-Marie-Tooth disease, axonal, type 20. Identifiers: Orphanet 284232, MedGen C3280220, MONDO:0013644, OMIM 614228.

Submission:

Labcorp Genetics (formerly Invitae), Labcorp
Classification: Uncertain significance for Charcot-Marie-Tooth disease axonal type 2O. Last evaluated: 2024-07-31. Review status: criteria provided, single submitter. Criteria: Invitae Variant Classification Sherloc (09022015). Collection method: clinical testing. Allele origin: germline.
Comment: This sequence change replaces threonine, which is neutral and polar, with alanine, which is neutral and non-polar, at codon 1268 of the DYNC1H1 protein (p.Thr1268Ala). This variant is not present in population databases (gnomAD no frequency). This variant has not been reported in the literature in individuals affected with DYNC1H1-related conditions. An algorithm developed to predict the effect of missense changes on protein structure and function (PolyPhen-2) suggests that this variant is likely to be tolerated. In summary, the available evidence is currently insufficient to determine the role of this variant in disease. Therefore, it has been classified as a Variant of Uncertain Significance.

NM_001376.5(DYNC1H1):c.3802A>G (p.Thr1268Ala)

Gene: DYNC1H1 (dynein cytoplasmic 1 heavy chain 1; plus strand). Cytogenetic location: 14q32.31.
Variant type: single nucleotide variant.
Coding change: c.3802A>G on transcript NM_001376.5 (MANE Select); coding-DNA position 3802, A replaced by G.
Protein change: p.Thr1268Ala; replaces threonine 1268 with alanine.
Molecular consequence: missense variant.
Genome position (GRCh38, 1-based): chr14:101,997,272, A>G. VCF-style: chr14-101997272-A-G. GRCh37 (hg19) VCF-style: chr14-102463609-A-G.
Other names: short protein forms T1268A.
Identifiers: ClinVar variation 3661058 (VCV003661058.2).